The following is an entry in ClinVar:

NM_000218.3(KCNQ1):c.1514+11730T>C

Genes: KCNQ1 (potassium voltage-gated channel subfamily Q member 1; plus strand), KCNQ1OT1 (KCNQ1 opposite strand/antisense transcript 1; minus strand). Cytogenetic location: 11p15.5.
Variant type: single nucleotide variant.
Coding change: c.1514+11730T>C on transcript NM_000218.3 (MANE Select); 11730 bases into the intron after coding-DNA position 1514, T replaced by C.
Molecular consequence: intron variant. On other transcripts: non-coding transcript variant (1).
Genome position (GRCh38, 1-based): chr11:2,673,811, T>C. VCF-style: chr11-2673811-T-C. GRCh37 (hg19) VCF-style: chr11-2695041-T-C.
Other names: c.1244+11730T>C (NM_001406837.1); c.1418+11730T>C (NM_001406836.1); c.974+11730T>C (NM_001406838.1); c.1133+11730T>C (NM_181798.2).
Identifiers: ClinVar variation 2641470 (VCV002641470.24), dbSNP rs536721211, ClinGen allele CA216179509.
Genomic context (GRCh38, chr11:2,673,811, plus strand): 5'-AGTCCCTTCTTGCTGGTATGTTGGGAAGCTCTGGTGCAAAGGGCAGTGATGGCCCTTCAA[T>C]CCCAGGCCCACAAGCACCACAGCCAGGAGAGTCAAGGTTGGATATGAAGAGGGACTTCCT-3'

ClinVar aggregate classification (germline): Likely benign (1 of 4 stars; one submission).

Allele frequency attached by ClinVar (database versions not stated): gnomAD 0.00018; TOPMed 0.00025; gnomAD exomes 0.00032.
gnomAD v4.1: 107 of 398,506 alleles (0.027%); highest among the groups gnomAD compares: Non-Finnish European, 0.039%; no homozygotes.

Submission:

CeGaT Center for Human Genetics Tuebingen
Classification: Likely benign. Last evaluated: 2024-08-01. Review status: criteria provided, single submitter. Criteria: CeGaT Center For Human Genetics Tuebingen Variant Classification Criteria Version 2. Collection method: clinical testing. Allele origin: germline. Affected: yes. Observed: 2 variant alleles.
Comment: KCNQ1OT1: BS1